The following is an entry in ClinVar:

ClinVar aggregate classification (germline): Uncertain significance (1 of 4 stars; one submission).

Allele frequency attached by ClinVar (database versions not stated): ExAC 0.00003; TOPMed 0.00003; gnomAD 0.00016.
gnomAD v4.1: 57 of 1,593,134 alleles (0.0036%); highest among the groups gnomAD compares: Non-Finnish European, 0.0047%; no homozygotes.

Submission:

Labcorp Genetics (formerly Invitae), Labcorp
Classification: Uncertain significance. Last evaluated: 2024-09-06. Review status: criteria provided, single submitter. Criteria: Invitae Variant Classification Sherloc (09022015). Collection method: clinical testing. Allele origin: germline.
Comment: This sequence change replaces methionine, which is neutral and non-polar, with leucine, which is neutral and non-polar, at codon 576 of the CCDC141 protein (p.Met576Leu). This variant is present in population databases (rs776686022, gnomAD 0.02%). This variant has not been reported in the literature in individuals affected with CCDC141-related conditions. An algorithm developed to predict the effect of missense changes on protein structure and function (PolyPhen-2) suggests that this variant is likely to be tolerated. In summary, the available evidence is currently insufficient to determine the role of this variant in disease. Therefore, it has been classified as a Variant of Uncertain Significance.

NM_173648.4(CCDC141):c.1726A>T (p.Met576Leu)

Gene: CCDC141 (coiled-coil domain containing 141; minus strand). Cytogenetic location: 2q31.2.
Variant type: single nucleotide variant.
Coding change: c.1726A>T on transcript NM_173648.4 (MANE Select); coding-DNA position 1726, A replaced by T.
Protein change: p.Met576Leu; replaces methionine 576 with leucine.
Molecular consequence: missense variant.
Genome position (GRCh38, 1-based): chr2:178,878,137, T>A on the plus strand (A>T on the coding strand, the complement: CCDC141 is on the minus strand). VCF-style: chr2-178878137-T-A. GRCh37 (hg19) VCF-style: chr2-179742864-T-A.
Other names: c.1726A>T, p.Met576Leu (NM_001316745.2); short protein forms M576L.
Identifiers: ClinVar variation 2961491 (VCV002961491.3), dbSNP rs776686022, ClinGen allele CA2007209.
Genomic context (GRCh38, chr2:178,878,137, plus strand): 5'-CATCCTGCTCCTTCTGAGGGATTTCGGTTTCATAAAATTCTTTTAAGCTCTGAAACTGCA[T>A]CTCTACCTAAAAAAGAAAAAAGAGAGTTAAGAACACTTAAACACATTTTTTTAAAGAAAA-3'
Protein context (NP_775919.3, residues 566-586): AFLKSSEEVE[Met576Leu]QFQSLKEFYE